The following is an entry in ClinVar:

ClinVar aggregate classification (germline): Conflicting classifications of pathogenicity. Review status: criteria provided, conflicting classifications (1 of 4 stars). 21 submissions from 21 submitters: Uncertain significance (1); Benign (11); Likely benign (5). 4 of the submissions do not count toward it. Last evaluated 2026-06-01.

Conditions:
TSC2-related disorder. Also called: TSC2-Related Disorders; TSC2-related condition.
Hereditary cancer-predisposing syndrome. Also called: Tumor predisposition; Neoplastic Syndromes, Hereditary; Hereditary Cancer Syndrome; Hereditary neoplastic syndrome. Identifiers: Orphanet 140162, MedGen C0027672, MeSH D009386, MONDO:0015356.
Tuberous sclerosis syndrome (TSC). Also called: Tuberous Sclerosis Complex; Tuberous sclerosis. Identifiers: Orphanet 805, MedGen C0041341, MONDO:0001734.
Tuberous sclerosis 2 (TSC2). Identifiers: Orphanet 805, MedGen C1860707, MONDO:0013199, OMIM 613254.

Allele frequency attached by ClinVar (database versions not stated): TOPMed 0.00082; gnomAD exomes 0.00111 and 0.00031; ExAC 0.00187; 1000 Genomes Project 30x 0.00219; 1000 Genomes Project 0.00220; ESP Exome Variant Server 0.00016; gnomAD 0.00061 and 0.00067.
gnomAD v4.1: 599 of 1,593,938 alleles (0.038%); highest among the groups gnomAD compares: East Asian, 0.97%; 5 homozygotes.

Submissions (21):

CeGaT Center for Human Genetics Tuebingen
Classification: Likely benign. Last evaluated: 2026-06-01. Review status: criteria provided, single submitter. Criteria: CeGaT Center For Human Genetics Tuebingen Variant Classification Criteria Version 2. Collection method: clinical testing. Allele origin: germline. Affected: yes. Observed: 3 variant alleles.
Comment: TSC2: BP4, BS1

Labcorp Genetics (formerly Invitae), Labcorp
Classification: Benign for Tuberous sclerosis 2. Last evaluated: 2026-02-04. Review status: criteria provided, single submitter. Criteria: Invitae Variant Classification Sherloc (09022015). Collection method: clinical testing. Allele origin: germline.

Dasa
Classification: Uncertain significance for Tuberous sclerosis 2. Last evaluated: 2025-09-27. Review status: criteria provided, single submitter. Criteria: DASA Assertion Criteria. Collection method: clinical testing. Allele origin: germline.
Comment: NM_000548.5(TSC2):c.2032G>A (p.Ala678Thr) is a missense variant that results in the substitution of alanine with threonine. This classification is supported by population frequency inconsistent with a disease-causing role. The currently available literature and clinical evidence are not sufficient to establish a definitive association between this variant and the reported condition. Therefore, this variant is classified as a variant of uncertain significance.

Myriad Genetics, Inc.
Classification: Benign for Tuberous sclerosis 2. Last evaluated: 2025-05-16. Review status: criteria provided, single submitter. Criteria: Myriad Autosomal Dominant, Autosomal Recessive and X-Linked Classification Criteria (2023). Collection method: clinical testing. Allele origin: unknown.
Comment: This variant is considered benign. This variant has been observed at a population frequency that is significantly greater than expected given the associated disease prevalence and penetrance. Homozygosity has been confirmed in one or more individuals. As homozygosity for pathogenic variants in this gene is generally assumed to result in embryonic lethality, this variant is unlikely to be pathogenic.

ARUP Laboratories, Molecular Genetics and Genomics, ARUP Laboratories
Classification: Likely benign. Last evaluated: 2024-11-23. Review status: criteria provided, single submitter. Criteria: ARUP Molecular Germline Variant Investigation Process 2024. Collection method: clinical testing. Allele origin: germline.

Blueprint Genetics
Classification: Likely benign. Last evaluated: 2024-10-21. Review status: criteria provided, single submitter. Criteria: ACMG Guidelines, 2015. Collection method: clinical testing. Allele origin: germline.

All of Us Research Program, National Institutes of Health
Classification: Benign for Tuberous sclerosis syndrome. Last evaluated: 2024-09-23. Review status: criteria provided, single submitter. Criteria: ACMG Guidelines, 2015. Collection method: clinical testing. Allele origin: germline. Inheritance: Autosomal dominant inheritance. Observed: 159 variant alleles, 154 heterozygotes, 5 homozygotes.
Comment: This study involves interpretation of variants in research participants for the purpose of population health screening. Participant phenotype was not available at the time of variant classification. Additional details can be found in publication PMID: 35346344, PMCID: PMC8962531

Women's Health and Genetics/Laboratory Corporation of America, LabCorp
Classification: Likely benign. Last evaluated: 2024-02-04. Review status: criteria provided, single submitter. Criteria: LabCorp Variant Classification Summary - May 2015. Collection method: clinical testing. Allele origin: germline.

KCCC/NGS Laboratory, Kuwait Cancer Control Center
Classification: Benign for Tuberous sclerosis 2. Last evaluated: 2023-07-07. Review status: criteria provided, single submitter. Criteria: ACMG Guidelines, 2015. Collection method: clinical testing. Allele origin: germline. Affected: yes.

Color Diagnostics, LLC DBA Color Health
Classification: Benign for Tuberous sclerosis syndrome. Last evaluated: 2022-08-31. Review status: criteria provided, single submitter. Criteria: ACMG Guidelines, 2015. Collection method: clinical testing. Allele origin: germline.

Genome-Nilou Lab
Classification: Benign for Tuberous sclerosis 2. Last evaluated: 2021-11-07. Review status: criteria provided, single submitter. Criteria: ACMG Guidelines, 2015. Collection method: clinical testing. Allele origin: germline. Affected: no.

Sema4
Classification: Benign for Hereditary cancer-predisposing syndrome. Last evaluated: 2020-12-26. Review status: criteria provided, single submitter. Criteria: Sema4 Curation Guidelines. Collection method: curation. Allele origin: germline.

Athena Diagnostics
Classification: Benign. Last evaluated: 2020-06-02. Review status: criteria provided, single submitter. Criteria: Athena Diagnostics Criteria. Collection method: clinical testing. Allele origin: unknown.

Quest Diagnostics Nichols Institute San Juan Capistrano
Classification: Benign. Last evaluated: 2020-06-02. Review status: criteria provided, single submitter. Criteria: Quest Diagnostics criteria. Collection method: clinical testing. Allele origin: unknown.

Illumina Laboratory Services, Illumina
Classification: Likely benign for Tuberous sclerosis syndrome. Last evaluated: 2018-09-12. Review status: criteria provided, single submitter. Criteria: ICSL Variant Classification Criteria 13 December 2019. Collection method: clinical testing. Allele origin: germline.
Comment: This variant was observed as part of a predisposition screen in an ostensibly healthy population. A literature search was performed for the gene, cDNA change, and amino acid change (where applicable). No publications were found based on this search. Allele frequency data from public databases allowed determination this variant is unlikely to cause disease. Therefore, this variant is classified as likely benign.

GeneDx
Classification: Benign. Last evaluated: 2017-09-15. Review status: criteria provided, single submitter. Criteria: GeneDx Variant Classification (06012015). Collection method: clinical testing. Allele origin: germline. Affected: yes.
Comment: This variant is considered likely benign or benign based on one or more of the following criteria: it is a conservative change, it occurs at a poorly conserved position in the protein, it is predicted to be benign by multiple in silico algorithms, and/or has population frequency not consistent with disease.

Ambry Genetics
Classification: Benign for Hereditary cancer-predisposing syndrome. Last evaluated: 2015-09-28. Review status: criteria provided, single submitter. Criteria: Ambry Variant Classification Scheme 2023. Collection method: clinical testing. Allele origin: germline.

PreventionGenetics, part of Exact Sciences
Classification: Benign for TSC2-related condition. Last evaluated: 2019-05-02. Review status: no assertion criteria provided. Collection method: clinical testing. Allele origin: germline. Not counted in ClinVar's aggregate classification.
Comment: This variant is classified as benign based on ACMG/AMP sequence variant interpretation guidelines (Richards et al. 2015 PMID: 25741868, with internal and published modifications).

Clinical Genetics DNA and cytogenetics Diagnostics Lab, Erasmus MC, Erasmus Medical Center
Classification: Likely benign. Review status: no assertion criteria provided. Collection method: clinical testing. Allele origin: germline. Affected: yes. Study: VKGL Data-share Consensus. Not counted in ClinVar's aggregate classification.

Clinical Genetics, Academic Medical Center
Classification: Likely benign. Review status: no assertion criteria provided. Collection method: clinical testing. Allele origin: germline. Affected: yes. Study: VKGL Data-share Consensus. Not counted in ClinVar's aggregate classification.

Laboratory of Diagnostic Genome Analysis, Leiden University Medical Center (LUMC)
Classification: Likely benign. Review status: no assertion criteria provided. Collection method: clinical testing. Allele origin: germline. Affected: yes. Study: VKGL Data-share Consensus. Not counted in ClinVar's aggregate classification.

Literature cited by the submitters: PubMed 28087349 (cited by Athena Diagnostics and Quest Diagnostics Nichols Institute San Juan Capistrano); PubMed 23514105 (cited by Athena Diagnostics and Quest Diagnostics Nichols Institute San Juan Capistrano); PubMed 28771801 (cited by Athena Diagnostics and Quest Diagnostics Nichols Institute San Juan Capistrano); PubMed 31586081 (cited by Athena Diagnostics and Quest Diagnostics Nichols Institute San Juan Capistrano).

NM_000548.5(TSC2):c.2032G>A (p.Ala678Thr)

Gene: TSC2 (TSC complex subunit 2; plus strand). Cytogenetic location: 16p13.3.
Variant type: single nucleotide variant.
Coding change: c.2032G>A on transcript NM_000548.5 (MANE Select); coding-DNA position 2032, G replaced by A.
Protein change: p.Ala678Thr; replaces alanine 678 with threonine.
Molecular consequence: missense variant.
Genome position (GRCh38, 1-based): chr16:2,071,869, G>A. VCF-style: chr16-2071869-G-A. GRCh37 (hg19) VCF-style: chr16-2121870-G-A.
Other names: p.A678T:GCC>ACC; c.2032G>A (NM_000548.4); c.2032G>A, p.Ala678Thr (NM_001077183.3, NM_001114382.3, NM_001363528.2 and 3 more transcripts); c.1921G>A, p.Ala641Thr (NM_001318827.2); c.1885G>A, p.Ala629Thr (NM_001318829.2); c.1432G>A, p.Ala478Thr (NM_001318831.2); c.2065G>A, p.Ala689Thr (NM_001318832.2); short protein forms A678T, A478T, A641T, A689T, A629T.
Identifiers: ClinVar variation 184135 (VCV000184135.66), dbSNP rs200494044, ClinGen allele CA016481.